The following is an entry in ClinVar:

NM_002661.5(PLCG2):c.110C>A (p.Thr37Asn)

Gene: PLCG2 (phospholipase C gamma 2; plus strand). Cytogenetic location: 16q23.3.
Variant type: single nucleotide variant.
Coding change: c.110C>A on transcript NM_002661.5 (MANE Select); coding-DNA position 110, C replaced by A.
Protein change: p.Thr37Asn; replaces threonine 37 with asparagine.
Molecular consequence: missense variant.
Genome position (GRCh38, 1-based): chr16:81,786,099, C>A. VCF-style: chr16-81786099-C-A. GRCh37 (hg19) VCF-style: chr16-81819704-C-A.
Other names: short protein forms T37N.
Identifiers: ClinVar variation 714850 (VCV000714850.39), dbSNP rs147349332, ClinGen allele CA8193029.
Genomic context (GRCh38, chr16:81,786,099, plus strand): 5'-AGATCAAGAGAGCCCTGGAGCTGGGGACGGTGATGACTGTGTTCAGCTTCCGCAAGTCCA[C>A]CCCCGAGCGGAGAACCGTCCAGGTGATCATGGAGACGCGGCAGGTGGCCTGGAGCAAGAC-3'
Protein context (NP_002652.2, residues 27-47): VMTVFSFRKS[Thr37Asn]PERRTVQVIM

ClinVar aggregate classification (germline): Likely benign. Review status: criteria provided, multiple submitters, no conflicts (2 of 4 stars). 6 submissions from 6 submitters: Likely benign (6). Last evaluated 2026-07-03.

Conditions:
PLCG2-related disorder. Also called: PLCG2-related condition.
Familial cold autoinflammatory syndrome 3 (FCAS3). Also called: ANTIBODY DEFICIENCY AND IMMUNE DYSREGULATION, PLCG2-ASSOCIATED; FAMILIAL ATYPICAL COLD URTICARIA. Identifiers: Orphanet 300359, MedGen C3280914, MONDO:0013766, OMIM 614468.
Autoinflammation-PLCG2-associated antibody deficiency-immune dysregulation. Also called: Autoinflammation, antibody deficiency, and immune dysregulation, plcg2-associated; AUTOINFLAMMATION, ANTIBODY DEFICIENCY, AND IMMUNE DYSREGULATION; Autoinflammation, antibody deficiency, and immune dysregulation syndrome. Identifiers: Orphanet 324530, MedGen C3553961, MONDO:0013944, OMIM 614878.

Allele frequency attached by ClinVar (database versions not stated): gnomAD exomes 0.00006 and 0.00014; ExAC 0.00020; gnomAD 0.00048 and 0.00050; TOPMed 0.00057; ESP Exome Variant Server 0.00072; 1000 Genomes Project 0.00140; 1000 Genomes Project 30x 0.00141.
gnomAD v4.1: 161 of 1,614,154 alleles (0.01%); highest among the groups gnomAD compares: African/African-American, 0.17%; 1 homozygote.

Submissions (6):

PreventionGenetics, part of Exact Sciences
Classification: Likely benign for PLCG2-related condition. Last evaluated: 2026-07-03. Review status: criteria provided, single submitter. Criteria: ACMG Guidelines, 2015. Collection method: clinical testing. Allele origin: germline.
Comment: This variant is classified as likely benign based on ACMG/AMP sequence variant interpretation guidelines (Richards et al. 2015 PMID: 25741868, with internal and published modifications).

Labcorp Genetics (formerly Invitae), Labcorp
Classification: Likely benign for Familial cold autoinflammatory syndrome 3. Last evaluated: 2026-02-02. Review status: criteria provided, single submitter. Criteria: Invitae Variant Classification Sherloc (09022015). Collection method: clinical testing. Allele origin: germline.

Blueprint Genetics
Classification: Likely benign. Last evaluated: 2024-10-31. Review status: criteria provided, single submitter. Criteria: ACMG Guidelines, 2015. Collection method: clinical testing. Allele origin: germline.

CeGaT Center for Human Genetics Tuebingen
Classification: Likely benign. Last evaluated: 2023-10-01. Review status: criteria provided, single submitter. Criteria: CeGaT Center For Human Genetics Tuebingen Variant Classification Criteria Version 2. Collection method: clinical testing. Allele origin: germline. Affected: yes. Observed: 1 variant allele.
Comment: PLCG2: BP4, BS1

Fulgent Genetics
Classification: Likely benign for Familial cold autoinflammatory syndrome 3; Autoinflammation-PLCG2-associated antibody deficiency-immune dysregulation. Last evaluated: 2021-07-20. Review status: criteria provided, single submitter. Criteria: ACMG Guidelines, 2015. Collection method: clinical testing. Allele origin: unknown.

Breakthrough Genomics
Classification: Likely benign. Review status: criteria provided, single submitter. Criteria: ACMG Guidelines, 2015. Collection method: not provided. Allele origin: germline. Inheritance: Autosomal dominant inheritance. Affected: yes.